The following is an entry in ClinVar:

NM_002860.4(ALDH18A1):c.88+1G>A

Gene: ALDH18A1 (aldehyde dehydrogenase 18 family member A1; minus strand). Cytogenetic location: 10q24.1.
Variant type: single nucleotide variant.
Coding change: c.88+1G>A on transcript NM_002860.4 (MANE Select); the canonical splice donor site of the intron after coding-DNA position 88, G replaced by A.
Molecular consequence: splice donor variant.
Genome position (GRCh38, 1-based): chr10:95,653,289, C>T on the plus strand (G>A on the coding strand, the complement: ALDH18A1 is on the minus strand). VCF-style: chr10-95653289-C-T. GRCh37 (hg19) VCF-style: chr10-97413046-C-T.
Other names: c.-79+1G>A (NM_001323419.2); c.-31+1G>A (NM_001323412.2, NM_001323418.2, NM_001323416.2); c.88+1G>A (NM_001323417.2, NM_001017423.2, NM_001323415.2 and 2 more transcripts).
Identifiers: ClinVar variation 659530 (VCV000659530.16), dbSNP rs556267618, ClinGen allele CA5620701.
Genomic context (GRCh38, chr10:95,653,289, plus strand): 5'-GTTGAAACATACTTTGACTATCAAACGTCCCACATACTCATAAGTTTTCTATGGTACATA[C>T]GAGATCTGAAGACGGTTGTACACTTGACCCAGGGCAGAAGATGTTGGTTGAAGGGCTGGA-3'

ClinVar aggregate classification (germline): Likely pathogenic. Review status: criteria provided, multiple submitters, no conflicts (2 of 4 stars). 5 submissions from 5 submitters: Likely pathogenic (5). Last evaluated 2025-04-22.

Conditions:
ALDH18A1-related de Barsy syndrome. Also called: Cutis laxa, autosomal recessive IIIA; DE BARSY SYNDROME A. Identifiers: Orphanet 2962, Orphanet 35664, MedGen C5234852, MONDO:0009053, OMIM 219150.
Autosomal dominant spastic paraplegia type 9. Identifiers: MedGen C1832669, MONDO:0015091.
de Barsy syndrome. Also called: Cutis laxa-corneal clouding-oligophrenia syndrome. Identifiers: Orphanet 2962, MedGen C0268354, MONDO:0017569.
Cutis laxa, autosomal dominant 3 (ADCL3). Identifiers: Orphanet 90348, MedGen C4225268, MONDO:0014706, OMIM 616603.
ALDH18A1-related disorder. Also called: ALDH18A1-related disorders.

Allele frequency attached by ClinVar (database versions not stated): gnomAD exomes 0.00001; ExAC 0.00002; 1000 Genomes Project 30x 0.00016; 1000 Genomes Project 0.00020.

Submissions (5):

GeneDx
Classification: Likely pathogenic. Last evaluated: 2025-04-22. Review status: criteria provided, single submitter. Criteria: GeneDx Variant Classification Process June 2021. Collection method: clinical testing. Allele origin: germline. Affected: yes.
Comment: Observed with another ALDH18A1 variant in a patient with failure to thrive, hypotonia, global developmental delay, microcephaly, sparse scalp hair, and delayed myelination in published literature; however, the patient also harbored a likely pathogenic ARX variant (PMID: 32371413); Canonical splice site variant predicted to result in a null allele in a gene for which loss of function is a known mechanism of disease; This variant is associated with the following publications: (PMID: Ferrara2024[article], 32371413)

Labcorp Genetics (formerly Invitae), Labcorp
Classification: Likely pathogenic for Autosomal dominant spastic paraplegia type 9; de Barsy syndrome; Cutis laxa, autosomal dominant 3. Last evaluated: 2024-06-08. Review status: criteria provided, single submitter. Criteria: Invitae Variant Classification Sherloc (09022015). Collection method: clinical testing. Allele origin: germline.
Comment: This sequence change affects a donor splice site in intron 2 of the ALDH18A1 gene. It is expected to disrupt RNA splicing. Variants that disrupt the donor or acceptor splice site typically lead to a loss of protein function (PMID: 16199547), and loss-of-function variants in ALDH18A1 are known to be pathogenic (PMID: 21739576, 24913064, 28567303, 28604674, 29915212). This variant is present in population databases (rs556267618, gnomAD 0.003%). Disruption of this splice site has been observed in individual(s) with ALDH18A1-related conditions (PMID: 32371413). ClinVar contains an entry for this variant (Variation ID: 659530). Algorithms developed to predict the effect of sequence changes on RNA splicing suggest that this variant may disrupt the consensus splice site. In summary, the currently available evidence indicates that the variant is pathogenic, but additional data are needed to prove that conclusively. Therefore, this variant has been classified as Likely Pathogenic.

Women's Health and Genetics/Laboratory Corporation of America, LabCorp
Classification: Likely pathogenic for ALDH18A1-Related Disorders. Last evaluated: 2023-04-20. Review status: criteria provided, single submitter. Criteria: LabCorp Variant Classification Summary - May 2015. Collection method: clinical testing. Allele origin: germline.
Comment: Variant summary: ALDH18A1 c.88+1G>A is located in a canonical splice-site and is predicted to affect mRNA splicing resulting in a significantly altered protein due to either exon skipping, shortening, or inclusion of intronic material. Several computational tools predict a significant impact on normal splicing: Three predict the variant abolishes a canonical 5' splicing donor site. However, these predictions have yet to be confirmed by functional studies. The variant allele was found at a frequency of 8e-06 in 251492 control chromosomes (gnomAD). To our knowledge, no individuals affected with ALDH18A1-Related Disorder and no experimental evidence demonstrating an impact on protein function have been reported. The variant has been found in a patient with infantile epileptic encephalopathy, where a variant in a different gene was considered causative of the observed phenotype (Miller_2020). Four ClinVar submitters have assessed the variant since 2014: all four classified the variant as likely pathogenic. Based on the evidence outlined above, the variant was classified as likely pathogenic.

Greenwood Genetic Center Diagnostic Laboratories, Greenwood Genetic Center
Classification: Likely pathogenic for ALDH18A1-related disorder. Last evaluated: 2022-06-01. Review status: criteria provided, single submitter. Criteria: ACMG Guidelines, 2015. Collection method: clinical testing. Allele origin: germline. Affected: yes.
Comment: PVS1, PM2

Rady Children's Institute for Genomic Medicine, Rady Children's Hospital San Diego
Classification: Likely pathogenic for CUTIS LAXA, AUTOSOMAL RECESSIVE, TYPE IIIA. Last evaluated: 2019-01-03. Review status: criteria provided, single submitter. Criteria: ACMG Guidelines, 2015. Collection method: clinical testing. Allele origin: germline. Affected: yes. Observed: 1 variant allele.
Comment: This variant affects the canonical splice donor site of intron 2 and is therefore predicted to interfere with splicing and result in loss of normal protein function. This variant has not been previously reported or functionally characterized in the literature to our knowledge. It is present in the heterozygous state in the gnomAD population database at a frequency of 0.00080% (2/251492) and thus is presumed to be rare. Multiple splice prediction tools suggest this variant is likely to interfere with normal splicing. Analysis of the parental samples was negative for the variant, indicating this variant likely occurred as a de novo event. Based on the available evidence, the c.88+1G>A variant is classified as likely pathogenic.

Literature cited by the submitters: PubMed 16199547 (cited by Labcorp Genetics (formerly Invitae), Labcorp); PubMed 21739576 (cited by Labcorp Genetics (formerly Invitae), Labcorp); PubMed 24913064 (cited by Labcorp Genetics (formerly Invitae), Labcorp); PubMed 28567303 (cited by Labcorp Genetics (formerly Invitae), Labcorp); PubMed 28604674 (cited by Labcorp Genetics (formerly Invitae), Labcorp); PubMed 29915212 (cited by Labcorp Genetics (formerly Invitae), Labcorp); PubMed 32371413 (cited by Labcorp Genetics (formerly Invitae), Labcorp and Women's Health and Genetics/Laboratory Corporation of America, LabCorp).